The following is an entry in ClinVar:

ClinVar aggregate classification (germline): Likely pathogenic (1 of 4 stars; one submission).

Submission:

Labcorp Genetics (formerly Invitae), Labcorp
Classification: Likely pathogenic. Last evaluated: 2025-07-14. Review status: criteria provided, single submitter. Criteria: Invitae Variant Classification Sherloc (09022015). Collection method: clinical testing. Allele origin: germline.
Comment: This variant results in the deletion of part of exon 6 (c.501-97_628del) of the ARPC1B gene. It is expected to disrupt RNA splicing. Variants that disrupt the donor or acceptor splice site typically lead to a loss of protein function (PMID: 16199547), and loss-of-function variants in ARPC1B are known to be pathogenic (PMID: 27965109, 28368018, 29127144). This variant is not present in population databases (gnomAD no frequency). This variant has not been reported in the literature in individuals affected with ARPC1B-related conditions. In summary, the currently available evidence indicates that the variant is pathogenic, but additional data are needed to prove that conclusively. Therefore, this variant has been classified as Likely Pathogenic.

Literature cited by the submitters: PubMed 16199547; PubMed 27965109; PubMed 28368018; PubMed 29127144.

NM_005720.4(ARPC1B):c.501-97_628del

Gene: ARPC1B (actin related protein 2/3 complex subunit 1B; plus strand). Cytogenetic location: 7q22.1.
Variant type: Deletion.
Coding change: c.501-97_628del on transcript NM_005720.4 (MANE Select); 97 bases into the intron before coding-DNA position 501 through coding-DNA position 628, 225 bases deleted.
Molecular consequence: splice acceptor variant.
Genome position (GRCh38, 1-based): chr7:99,390,796-99,391,020, 225 bases deleted. GRCh37 (hg19): chr7:98,988,419-98,988,643.
Identifiers: ClinVar variation 4723207 (VCV004723207.1).